The following is an entry in ClinVar:

NM_001009999.3(KDM1A):c.2092A>T (p.Ser698Cys)

Gene: KDM1A (lysine demethylase 1A; plus strand). Cytogenetic location: 1p36.12.
Variant type: single nucleotide variant.
Coding change: c.2092A>T on transcript NM_001009999.3 (MANE Select); coding-DNA position 2092, A replaced by T.
Protein change: p.Ser698Cys; replaces serine 698 with cysteine.
Molecular consequence: missense variant.
Genome position (GRCh38, 1-based): chr1:23,079,589, A>T. VCF-style: chr1-23079589-A-T. GRCh37 (hg19) VCF-style: chr1-23406082-A-T.
Other names: c.2038A>T, p.Ser680Cys (NM_001363654.2); c.2098A>T, p.Ser700Cys (NM_001410762.1); c.2020A>T, p.Ser674Cys (NM_001410763.1, NM_015013.4); short protein forms S700C, S680C, S674C, S698C.
Identifiers: ClinVar variation 4841898 (VCV004841898.1).

ClinVar aggregate classification (germline): Uncertain significance (1 of 4 stars; one submission).

Conditions:
Inborn genetic diseases. Identifiers: MedGen C0950123, MeSH D030342.

Submission:

Ambry Genetics
Classification: Uncertain significance for Inborn genetic diseases. Last evaluated: 2025-12-15. Review status: criteria provided, single submitter. Criteria: Ambry Variant Classification Scheme 2023. Collection method: clinical testing. Allele origin: germline.
Comment: The p.S698C variant (also known as c.2092A>T), located in coding exon 18 of the KDM1A gene, results from an A to T substitution at nucleotide position 2092. The serine at codon 698 is replaced by cysteine, an amino acid with dissimilar properties. This amino acid position is conserved. In addition, this alteration is predicted to be deleterious by in silico analysis. Based on the available evidence, the clinical significance of this variant remains unclear.